The following is an entry in ClinVar:

ClinVar aggregate classification (germline): Uncertain significance (1 of 4 stars; one submission).

Submission:

Labcorp Genetics (formerly Invitae), Labcorp
Classification: Uncertain significance. Last evaluated: 2024-07-16. Review status: criteria provided, single submitter. Criteria: Invitae Variant Classification Sherloc (09022015). Collection method: clinical testing. Allele origin: germline.
Comment: This variant, c.646_663dup, results in the insertion of 6 amino acid(s) of the CHD8 protein (p.Ser216_Asn221dup), but otherwise preserves the integrity of the reading frame. This variant is not present in population databases (gnomAD no frequency). This variant has not been reported in the literature in individuals affected with CHD8-related conditions. ClinVar contains an entry for this variant (Variation ID: 2030217). Experimental studies and prediction algorithms are not available or were not evaluated, and the functional significance of this variant is currently unknown. In summary, the available evidence is currently insufficient to determine the role of this variant in disease. Therefore, it has been classified as a Variant of Uncertain Significance.

NM_001170629.2(CHD8):c.646_663dup (p.Asn221_Thr222insSerIleValSerGlyAsn)

Gene: CHD8 (chromodomain helicase DNA binding protein 8; minus strand). Cytogenetic location: 14q11.2.
Variant type: Duplication.
Coding change: c.646_663dup on transcript NM_001170629.2 (MANE Select); coding-DNA positions 646 to 663, 18 bases duplicated (TCCATTGTCTCTGGTAAT).
Protein change: p.Asn221_Thr222insSerIleValSerGlyAsn.
Molecular consequence: inframe insertion. On other transcripts: intron variant (1).
Genome position (GRCh38, 1-based): chr14:21,430,981-21,430,998, ATTACCAGAGACAATGGA duplicated on the plus strand (TCCATTGTCTCTGGTAAT on the coding strand, the reverse complement: CHD8 is on the minus strand); duplicating any 18 consecutive bases within chr14:21,430,981-21,430,999 gives the same sequence; the c. name uses the placement nearest the transcript's 3' end. VCF-style (leftmost placement, unchanged base first): chr14-21430980-T-TATTACCAGAGACAATGGA. GRCh37 (hg19) VCF-style: chr14-21899139-T-TATTACCAGAGACAATGGA.
Other names: c.6+813_6+830dup (NM_020920.4).
Identifiers: ClinVar variation 2030217 (VCV002030217.4), dbSNP rs2502014800, ClinGen allele CA2580087831.